The following is an entry in ClinVar:

ClinVar aggregate classification (germline): Uncertain significance. Review status: criteria provided, multiple submitters, no conflicts (2 of 4 stars). 3 submissions from 3 submitters: Uncertain significance (3). Last evaluated 2026-09-10.

Conditions:
Inborn genetic diseases. Identifiers: MedGen C0950123, MeSH D030342.
Cone-rod dystrophy 13 (CORD13). Identifiers: Orphanet 1872, MedGen C2750720, MONDO:0011987, OMIM 608194.
Leber congenital amaurosis 6 (LCA6). Identifiers: Orphanet 65, MedGen C1854260, MONDO:0013446, OMIM 613826.

Allele frequency attached by ClinVar (database versions not stated): ESP Exome Variant Server 0.00008; gnomAD exomes 0.00001; gnomAD 0.00005; TOPMed 0.00007.
gnomAD v4.1: 24 of 1,611,622 alleles (0.0015%); highest among the groups gnomAD compares: African/African-American, 0.016%; no homozygotes.

Submissions (3):

Ambry Genetics
Classification: Uncertain significance for Inborn genetic diseases. Last evaluated: 2026-09-10. Review status: criteria provided, single submitter. Criteria: Ambry Variant Classification Scheme 2023. Collection method: clinical testing. Allele origin: germline.

Labcorp Genetics (formerly Invitae), Labcorp
Classification: Uncertain significance for Leber congenital amaurosis 6; Cone-rod dystrophy 13. Last evaluated: 2024-12-16. Review status: criteria provided, single submitter. Criteria: Invitae Variant Classification Sherloc (09022015). Collection method: clinical testing. Allele origin: germline.
Comment: This sequence change replaces arginine, which is basic and polar, with cysteine, which is neutral and slightly polar, at codon 530 of the RPGRIP1 protein (p.Arg530Cys). This variant is present in population databases (rs373592510, gnomAD 0.02%). This variant has not been reported in the literature in individuals affected with RPGRIP1-related conditions. ClinVar contains an entry for this variant (Variation ID: 287291). Invitae Evidence Modeling of protein sequence and biophysical properties (such as structural, functional, and spatial information, amino acid conservation, physicochemical variation, residue mobility, and thermodynamic stability) indicates that this missense variant is not expected to disrupt RPGRIP1 protein function with a negative predictive value of 80%. In summary, the available evidence is currently insufficient to determine the role of this variant in disease. Therefore, it has been classified as a Variant of Uncertain Significance.

Eurofins Ntd Llc (ga)
Classification: Uncertain significance. Last evaluated: 2016-04-14. Review status: criteria provided, single submitter. Criteria: EGL Classification Definitions 2015. Collection method: clinical testing. Allele origin: germline. Observed: 1 variant allele, 1 heterozygote.

NM_020366.4(RPGRIP1):c.1588C>T (p.Arg530Cys)

Gene: RPGRIP1 (RPGR interacting protein 1; plus strand). Cytogenetic location: 14q11.2.
Variant type: single nucleotide variant.
Coding change: c.1588C>T on transcript NM_020366.4 (MANE Select); coding-DNA position 1588, C replaced by T.
Protein change: p.Arg530Cys; replaces arginine 530 with cysteine.
Molecular consequence: missense variant.
Genome position (GRCh38, 1-based): chr14:21,321,379, C>T. VCF-style: chr14-21321379-C-T. GRCh37 (hg19) VCF-style: chr14-21789538-C-T.
Other names: c.514C>T, p.Arg172Cys (NM_001377523.1, NM_001377948.1, NM_001377949.1 and 1 more transcripts); c.16C>T, p.Arg6Cys (NM_001377951.1); c.1588C>T (NM_020366.3); short protein forms R530C, R172C, R6C.
Identifiers: ClinVar variation 287291 (VCV000287291.10), dbSNP rs373592510, ClinGen allele CA10605735.